The following is an entry in ClinVar:

NM_014712.3(SETD1A):c.4038G>A (p.Ala1346=)

Gene: SETD1A (SET domain containing 1A, histone lysine methyltransferase; plus strand). Cytogenetic location: 16p11.2.
Variant type: single nucleotide variant.
Coding change: c.4038G>A on transcript NM_014712.3 (MANE Select); coding-DNA position 4038, G replaced by A.
Protein change: p.Ala1346=; no amino-acid change (alanine 1346 retained).
Molecular consequence: synonymous variant.
Genome position (GRCh38, 1-based): chr16:30,979,824, G>A. VCF-style: chr16-30979824-G-A. GRCh37 (hg19) VCF-style: chr16-30991145-G-A.
Identifiers: ClinVar variation 4821300 (VCV004821300.4).
Genomic context (GRCh38, chr16:30,979,824, plus strand): 5'-CCTCTTCAGTTCCCCAGCTGATGAGGTCCTGGAGGCCCCCGAGGTGGTGGTGGCTGAGGC[G>A]GAGGAGCCCAAGCCGCAGCAACTGCAGCAGCAGCGGGAGGAGGGCGAAGAGGAGGGGGAG-3'
Protein context (NP_055527.1, residues 1336-1356): LEAPEVVVAE[Ala1346=]EEPKPQQLQQ

ClinVar aggregate classification (germline): Likely benign (1 of 4 stars; one submission).

gnomAD v4.1: 14 of 1,556,664 alleles (0.0009%); highest among the groups gnomAD compares: East Asian, 0.007%; no homozygotes.

Submission:

CeGaT Center for Human Genetics Tuebingen
Classification: Likely benign. Last evaluated: 2026-03-01. Review status: criteria provided, single submitter. Criteria: CeGaT Center For Human Genetics Tuebingen Variant Classification Criteria Version 2. Collection method: clinical testing. Allele origin: germline. Affected: yes. Observed: 1 variant allele.
Comment: SETD1A: BP4, BP7